The following is an entry in ClinVar:

ClinVar aggregate classification (germline): Uncertain significance (1 of 4 stars; one submission).

Conditions:
Hereditary cancer-predisposing syndrome. Also called: Neoplastic Syndromes, Hereditary; Tumor predisposition; Hereditary neoplastic syndrome; Hereditary Cancer Syndrome. Identifiers: Orphanet 140162, MedGen C0027672, MeSH D009386, MONDO:0015356.

Submission:

Ambry Genetics
Classification: Uncertain significance for Hereditary cancer-predisposing syndrome. Last evaluated: 2026-06-22. Review status: criteria provided, single submitter. Criteria: Ambry Variant Classification Scheme 2023. Collection method: clinical testing. Allele origin: germline.
Comment: The p.E530K variant (also known as c.1588G>A), located in coding exon 8 of the RET gene, results from a G to A substitution at nucleotide position 1588. The glutamic acid at codon 530 is replaced by lysine, an amino acid with similar properties. This amino acid position is not well conserved in available vertebrate species. In addition, the in silico prediction for this alteration is inconclusive. Based on the available evidence, the clinical significance of this variant remains unclear.

NM_020975.6(RET):c.1588G>A (p.Glu530Lys)

Gene: RET (ret proto-oncogene; plus strand). Cytogenetic location: 10q11.21.
Variant type: single nucleotide variant.
Coding change: c.1588G>A on transcript NM_020975.6 (MANE Select); coding-DNA position 1588, G replaced by A.
Protein change: p.Glu530Lys; replaces glutamic acid 530 with lysine.
Molecular consequence: missense variant.
Genome position (GRCh38, 1-based): chr10:43,112,164, G>A. VCF-style: chr10-43112164-G-A. GRCh37 (hg19) VCF-style: chr10-43607612-G-A.
Other names: c.691G>A, p.Glu231Lys (NM_001406779.1, NM_001406780.1, NM_001406781.1 and 3 more transcripts); c.562G>A, p.Glu188Lys (NM_001406783.1, NM_001406786.1); c.139G>A, p.Glu47Lys (NM_001406794.1, NM_001406792.1, NM_001406793.1); c.1588G>A, p.Glu530Lys (NM_020630.7, NM_001406765.1, NM_001406759.1 and 4 more transcripts); c.862G>A, p.Glu288Lys (NM_001406775.1, NM_001406776.1, NM_001406777.1 and 1 more transcripts); c.1300G>A, p.Glu434Lys (NM_001406766.1, NM_001406767.1, NM_001406770.1); c.1459G>A, p.Glu487Lys (NM_001406768.1, NM_001406761.1, NM_001406762.1 and 1 more transcripts); c.1192G>A, p.Glu398Lys (NM_001406769.1, NM_001406772.1); and 5 more; short protein forms E188K, E200K, E276K, E288K, E47K, E530K, E135K, E231K.
Identifiers: ClinVar variation 5028144 (VCV005028144.1).
Genomic context (GRCh38, chr10:43,112,164, plus strand): 5'-GCCGAGGAGGCGGGCTGCCCCCTGTCCTGTGCAGTCAGCAAGAGACGGCTGGAGTGTGAG[G>A]AGTGTGGCGGCCTGGGCTCCCCAACAGGCAGGTGTGAGTGGAGGCAAGGAGATGGCAAAG-3'
Protein context (NP_066124.1, residues 520-540): AVSKRRLECE[Glu530Lys]CGGLGSPTGR